The following is an entry in ClinVar:

ClinVar aggregate classification (germline): Uncertain significance (1 of 4 stars; one submission).

Conditions:
Joubert syndrome. Also called: CEREBELLOPARENCHYMAL DISORDER IV; JOUBERT-BOLTSHAUSER SYNDROME; Familial aplasia of the vermis. Identifiers: Orphanet 475, MedGen C5979921, MONDO:0018772.

Submission:

Labcorp Genetics (formerly Invitae), Labcorp
Classification: Uncertain significance for Joubert syndrome. Last evaluated: 2022-06-14. Review status: criteria provided, single submitter. Criteria: Invitae Variant Classification Sherloc (09022015). Collection method: clinical testing. Allele origin: germline.
Comment: This sequence change replaces lysine, which is basic and polar, with glutamine, which is neutral and polar, at codon 356 of the AHI1 protein (p.Lys356Gln). This variant is not present in population databases (gnomAD no frequency). This variant has not been reported in the literature in individuals affected with AHI1-related conditions. Advanced modeling of protein sequence and biophysical properties (such as structural, functional, and spatial information, amino acid conservation, physicochemical variation, residue mobility, and thermodynamic stability) performed at Invitae indicates that this missense variant is not expected to disrupt AHI1 protein function. Algorithms developed to predict the effect of sequence changes on RNA splicing suggest that this variant may create or strengthen a splice site. In summary, the available evidence is currently insufficient to determine the role of this variant in disease. Therefore, it has been classified as a Variant of Uncertain Significance.

NM_001134831.2(AHI1):c.1066A>C (p.Lys356Gln)

Gene: AHI1 (Abelson helper integration site 1; minus strand). Cytogenetic location: 6q23.3.
Variant type: single nucleotide variant.
Coding change: c.1066A>C on transcript NM_001134831.2 (MANE Select); coding-DNA position 1066, A replaced by C.
Protein change: p.Lys356Gln; replaces lysine 356 with glutamine.
Molecular consequence: missense variant.
Genome position (GRCh38, 1-based): chr6:135,457,579, T>G on the plus strand (A>C on the coding strand, the complement: AHI1 is on the minus strand). VCF-style: chr6-135457579-T-G. GRCh37 (hg19) VCF-style: chr6-135778717-T-G.
Other names: c.1066A>C, p.Lys356Gln (NM_001134830.2, NM_001134832.2, NM_001350503.2 and 2 more transcripts); short protein forms K356Q.
Identifiers: ClinVar variation 2006415 (VCV002006415.4), dbSNP rs1789175895, ClinGen allele CA365747759.